The following is an entry in ClinVar:

NM_005751.5(AKAP9):c.2639A>G (p.Asp880Gly)

Gene: AKAP9 (A-kinase anchoring protein 9; plus strand). Cytogenetic location: 7q21.2.
Variant type: single nucleotide variant.
Coding change: c.2639A>G on transcript NM_005751.5 (MANE Select); coding-DNA position 2639, A replaced by G.
Protein change: p.Asp880Gly; replaces aspartic acid 880 with glycine.
Molecular consequence: missense variant.
Genome position (GRCh38, 1-based): chr7:92,002,556, A>G. VCF-style: chr7-92002556-A-G. GRCh37 (hg19) VCF-style: chr7-91631870-A-G.
Other names: c.2639A>G, p.Asp880Gly (NM_147185.3); short protein forms D880G.
Identifiers: ClinVar variation 3281939 (VCV003281939.1).

ClinVar aggregate classification (germline): Uncertain significance (1 of 4 stars; one submission).

Conditions:
Cardiovascular phenotype. Identifiers: MedGen CN230736.

Submission:

Ambry Genetics
Classification: Uncertain significance for Cardiovascular phenotype. Last evaluated: 2024-04-28. Review status: criteria provided, single submitter. Criteria: Ambry Variant Classification Scheme 2023. Collection method: clinical testing. Allele origin: germline.
Comment: The p.D880G variant (also known as c.2639A>G), located in coding exon 8 of the AKAP9 gene, results from an A to G substitution at nucleotide position 2639. The aspartic acid at codon 880 is replaced by glycine, an amino acid with similar properties. This amino acid position is conserved. In addition, this alteration is predicted to be tolerated by in silico analysis. Based on the available evidence, the clinical significance of this variant remains unclear.